The following is an entry in ClinVar:

ClinVar aggregate classification (germline): Likely benign (1 of 4 stars; one submission).

Allele frequency attached by ClinVar (database versions not stated): gnomAD 0.00003 and 0.00004; TOPMed 0.00005; gnomAD exomes 0.00006.

Submission:

GeneDx
Classification: Likely benign. Last evaluated: 2016-04-01. Review status: criteria provided, single submitter. Criteria: GeneDx Variant Classification (06012015). Collection method: clinical testing. Allele origin: germline. Affected: yes.
Comment: This variant is considered likely benign or benign based on one or more of the following criteria: it is a conservative change, it occurs at a poorly conserved position in the protein, it is predicted to be benign by multiple in silico algorithms, and/or has population frequency not consistent with disease.

NM_004517.4(ILK):c.-109C>T

Genes: ILK (integrin linked kinase; plus strand), LOC130005200 (ATAC-STARR-seq lymphoblastoid silent region 3104; plus strand). Cytogenetic location: 11p15.4.
Variant type: single nucleotide variant.
Coding change: c.-109C>T on transcript NM_004517.4 (MANE Select); 109 bases upstream of the start codon, C replaced by T.
Molecular consequence: 5 prime UTR variant.
Genome position (GRCh38, 1-based): chr11:6,603,806, C>T. VCF-style: chr11-6603806-C-T. GRCh37 (hg19) VCF-style: chr11-6625036-C-T.
Other names: c.-63C>T (NM_001014794.3); c.-466C>T (NM_001014795.3); c.-109C>T (NM_001278441.2); c.-299C>T (NM_001278442.2).
Identifiers: ClinVar variation 385262 (VCV000385262.1), dbSNP rs908902784, ClinGen allele CA16606276.